The following is an entry in ClinVar:

NM_001271.4(CHD2):c.3734+20A>G

Gene: CHD2 (chromodomain helicase DNA binding protein 2; plus strand). Cytogenetic location: 15q26.1.
Variant type: single nucleotide variant.
Coding change: c.3734+20A>G on transcript NM_001271.4 (MANE Select); 20 bases into the intron after coding-DNA position 3734, A replaced by G.
Molecular consequence: intron variant.
Genome position (GRCh38, 1-based): chr15:92,997,115, A>G. VCF-style: chr15-92997115-A-G. GRCh37 (hg19) VCF-style: chr15-93540345-A-G.
Identifiers: ClinVar variation 930678 (VCV000930678.4), dbSNP rs765676490, ClinGen allele CA7748291.

ClinVar aggregate classification (germline): Likely benign. Review status: criteria provided, multiple submitters, no conflicts (2 of 4 stars). 2 submissions from 2 submitters: Likely benign (2). Last evaluated 2018-10-25.

Conditions:
Developmental and epileptic encephalopathy 94 (DEE94). Also called: Epileptic encephalopathy, childhood-onset; CHD2-Related Neurodevelopmental Disorders. Identifiers: Orphanet 1942, Orphanet 2382, MedGen C3809278, MONDO:0014150, OMIM 615369.

Allele frequency attached by ClinVar (database versions not stated): ExAC 0.00001.
gnomAD v4.1: 1 of 1,606,020 alleles (0.000062%); highest among the groups gnomAD compares: Non-Finnish European, 0.000085%; no homozygotes.

Submissions (2):

Centre for Mendelian Genomics, University Medical Centre Ljubljana
Classification: Likely benign for Developmental and epileptic encephalopathy 94. Last evaluated: 2018-10-25. Review status: criteria provided, single submitter. Criteria: ACMG Guidelines, 2015. Collection method: clinical testing. Allele origin: unknown. Affected: yes.
Comment: This variant was classified as: Likely benign. The following ACMG criteria were applied in classifying this variant: BS1,BP4.

Breakthrough Genomics
Classification: Likely benign. Review status: criteria provided, single submitter. Criteria: ACMG Guidelines, 2015. Collection method: not provided. Allele origin: germline. Inheritance: Autosomal dominant inheritance. Affected: yes.